The following is an entry in ClinVar:

ClinVar aggregate classification (germline): Benign (1 of 4 stars; one submission).

Conditions:
Familial adenomatous polyposis 1 (FAP1). Also called: FAMILIAL ADENOMATOUS POLYPOSIS 1, ATTENUATED; POLYPOSIS, ADENOMATOUS INTESTINAL. Identifiers: MedGen C2713442, MONDO:0021056, OMIM 175100. Disease mechanism: loss of function.

Submission:

Myriad Genetics, Inc.
Classification: Benign for Familial adenomatous polyposis 1. Last evaluated: 2024-04-05. Review status: criteria provided, single submitter. Criteria: Myriad Autosomal Dominant, Autosomal Recessive and X-Linked Classification Criteria (2023). Collection method: clinical testing. Allele origin: unknown.
Comment: This variant is considered benign. This variant is a silent/synonymous amino acid change and it is not expected to impact splicing.

NM_000038.6(APC):c.6582T>G (p.Val2194=)

Gene: APC (APC regulator of Wnt signaling pathway; plus strand). Cytogenetic location: 5q22.2.
Variant type: single nucleotide variant.
Coding change: c.6582T>G on transcript NM_000038.6 (MANE Select); coding-DNA position 6582, T replaced by G.
Protein change: p.Val2194=; no amino-acid change (valine 2194 retained).
Molecular consequence: synonymous variant. On other transcripts: non-coding transcript variant (2).
Genome position (GRCh38, 1-based): chr5:112,842,176, T>G. VCF-style: chr5-112842176-T-G. GRCh37 (hg19) VCF-style: chr5-112177873-T-G.
Other names: c.6582T>G, p.Val2194= (NM_001127510.3, NM_001354895.2, NM_001407450.1); c.6528T>G, p.Val2176= (NM_001127511.3); c.6636T>G, p.Val2212= (NM_001354896.2, NM_001407447.1, NM_001407448.1 and 1 more transcripts); c.6612T>G, p.Val2204= (NM_001354897.2); c.6507T>G, p.Val2169= (NM_001354898.2); c.6498T>G, p.Val2166= (NM_001354899.2); c.6459T>G, p.Val2153= (NM_001354900.2); c.6405T>G, p.Val2135= (NM_001354901.2, NM_001407453.1); and 11 more.
Identifiers: ClinVar variation 3254088 (VCV003254088.1), dbSNP rs2149968194.